The following is an entry in ClinVar:

NM_004958.4(MTOR):c.43A>G (p.Thr15Ala)

Gene: MTOR (mechanistic target of rapamycin kinase; minus strand). Cytogenetic location: 1p36.22.
Variant type: single nucleotide variant.
Coding change: c.43A>G on transcript NM_004958.4 (MANE Select); coding-DNA position 43, A replaced by G.
Protein change: p.Thr15Ala; replaces threonine 15 with alanine.
Molecular consequence: missense variant. On other transcripts: 5 prime UTR variant (1).
Genome position (GRCh38, 1-based): chr1:11,259,367, T>C on the plus strand (A>G on the coding strand, the complement: MTOR is on the minus strand). VCF-style: chr1-11259367-T-C. GRCh37 (hg19) VCF-style: chr1-11319424-T-C.
Other names: c.43A>G, p.Thr15Ala (NM_001386500.1); c.-1097A>G (NM_001386501.1); short protein forms T15A.
Identifiers: ClinVar variation 1993758 (VCV001993758.4), dbSNP rs2523475823, ClinGen allele CA338405445.

ClinVar aggregate classification (germline): Uncertain significance (1 of 4 stars; one submission).

Allele frequency attached by ClinVar (database versions not stated): gnomAD exomes 0.00001.
gnomAD v4.1: 7 of 1,601,648 alleles (0.00044%); highest among the groups gnomAD compares: Non-Finnish European, 0.0006%; no homozygotes.

Submission:

Labcorp Genetics (formerly Invitae), Labcorp
Classification: Uncertain significance. Last evaluated: 2024-12-02. Review status: criteria provided, single submitter. Criteria: Invitae Variant Classification Sherloc (09022015). Collection method: clinical testing. Allele origin: germline.
Comment: This sequence change replaces threonine, which is neutral and polar, with alanine, which is neutral and non-polar, at codon 15 of the MTOR protein (p.Thr15Ala). This variant is not present in population databases (gnomAD no frequency). This variant has not been reported in the literature in individuals affected with MTOR-related conditions. ClinVar contains an entry for this variant (Variation ID: 1993758). Invitae Evidence Modeling of protein sequence and biophysical properties (such as structural, functional, and spatial information, amino acid conservation, physicochemical variation, residue mobility, and thermodynamic stability) indicates that this missense variant is not expected to disrupt MTOR protein function with a negative predictive value of 95%. In summary, the available evidence is currently insufficient to determine the role of this variant in disease. Therefore, it has been classified as a Variant of Uncertain Significance.